The following is an entry in ClinVar:

ClinVar aggregate classification (germline): Benign (1 of 4 stars; one submission).

Allele frequency attached by ClinVar (database versions not stated): 1000 Genomes Project 0.06110; 1000 Genomes Project 30x 0.06433; gnomAD 0.06758 and 0.07116; TOPMed 0.07270.
gnomAD v4.1: 10,236 of 152,316 alleles (6.7%); highest among the groups gnomAD compares: African/African-American, 15%; 572 homozygotes.

Submission:

GeneDx
Classification: Benign. Last evaluated: 2018-06-14. Review status: criteria provided, single submitter. Criteria: GeneDx Variant Classification (06012015). Collection method: clinical testing. Allele origin: germline. Affected: yes.
Comment: This variant is considered likely benign or benign based on one or more of the following criteria: it is a conservative change, it occurs at a poorly conserved position in the protein, it is predicted to be benign by multiple in silico algorithms, and/or has population frequency not consistent with disease.

NM_003383.5(VLDLR):c.2336-160T>G

Gene: VLDLR (very low density lipoprotein receptor; plus strand). Cytogenetic location: 9p24.2.
Variant type: single nucleotide variant.
Coding change: c.2336-160T>G on transcript NM_003383.5 (MANE Select); 160 bases into the intron before coding-DNA position 2336, T replaced by G.
Molecular consequence: intron variant.
Genome position (GRCh38, 1-based): chr9:2,651,714, T>G. VCF-style: chr9-2651714-T-G. GRCh37 (hg19) VCF-style: chr9-2651714-T-G.
Other names: c.2252-160T>G (NM_001018056.3); c.2213-160T>G (NM_001322225.2); c.2129-160T>G (NM_001322226.2).
Identifiers: ClinVar variation 677764 (VCV000677764.1), dbSNP rs7043836, ClinGen allele CA187960702.